The following is an entry in ClinVar:

NM_022356.4(P3H1):c.822G>C (p.Gln274His)

Gene: P3H1 (prolyl 3-hydroxylase 1; minus strand). Cytogenetic location: 1p34.2.
Variant type: single nucleotide variant.
Coding change: c.822G>C on transcript NM_022356.4 (MANE Select); coding-DNA position 822, G replaced by C.
Protein change: p.Gln274His; replaces glutamine 274 with histidine.
Molecular consequence: missense variant.
Genome position (GRCh38, 1-based): chr1:42,758,970, C>G on the plus strand (G>C on the coding strand, the complement: P3H1 is on the minus strand). VCF-style: chr1-42758970-C-G. GRCh37 (hg19) VCF-style: chr1-43224641-C-G.
Other names: c.822G>C (NM_022356.3); c.822G>C, p.Gln274His (NM_001146289.2, NM_001243246.2); short protein forms Q274H.
Identifiers: ClinVar variation 1366030 (VCV001366030.6), dbSNP rs372301077, ClinGen allele CA802056.

ClinVar aggregate classification (germline): Uncertain significance. Review status: criteria provided, multiple submitters, no conflicts (2 of 4 stars). 2 submissions from 2 submitters: Uncertain significance (2). Last evaluated 2025-02-12.

Conditions:
Inborn genetic diseases. Identifiers: MedGen C0950123, MeSH D030342.
Osteogenesis imperfecta type 8 (OI8). Identifiers: MedGen C1970458, MONDO:0012581, OMIM 610915.

Allele frequency attached by ClinVar (database versions not stated): ExAC 0.00001; gnomAD exomes 0.00002 and 0.00004; TOPMed 0.00002; gnomAD 0.00003 and 0.00004; ESP Exome Variant Server 0.00008.
gnomAD v4.1: 64 of 1,614,020 alleles (0.004%); highest among the groups gnomAD compares: Non-Finnish European, 0.0053%; no homozygotes.

Submissions (2):

Ambry Genetics
Classification: Uncertain significance for Inborn genetic diseases. Last evaluated: 2025-02-12. Review status: criteria provided, single submitter. Criteria: Ambry Variant Classification Scheme 2023. Collection method: clinical testing. Allele origin: germline.

Labcorp Genetics (formerly Invitae), Labcorp
Classification: Uncertain significance for Osteogenesis imperfecta type 8. Last evaluated: 2021-08-27. Review status: criteria provided, single submitter. Criteria: Invitae Variant Classification Sherloc (09022015). Collection method: clinical testing. Allele origin: germline.
Comment: This sequence change replaces glutamine with histidine at codon 274 of the P3H1 protein (p.Gln274His). The glutamine residue is highly conserved and there is a small physicochemical difference between glutamine and histidine. This variant is present in population databases (rs372301077, ExAC 0.002%). This variant has not been reported in the literature in individuals affected with P3H1-related conditions. Algorithms developed to predict the effect of missense changes on protein structure and function (SIFT, PolyPhen-2, Align-GVGD) all suggest that this variant is likely to be tolerated. In summary, the available evidence is currently insufficient to determine the role of this variant in disease. Therefore, it has been classified as a Variant of Uncertain Significance.